The following is an entry in ClinVar:

ClinVar aggregate classification (germline): Uncertain significance. Review status: criteria provided, multiple submitters, no conflicts (2 of 4 stars). 3 submissions from 3 submitters: Uncertain significance (3). Last evaluated 2024-12-04.

Conditions:
Hereditary cancer-predisposing syndrome. Also called: Tumor predisposition; Neoplastic Syndromes, Hereditary; Hereditary Cancer Syndrome; Hereditary neoplastic syndrome. Identifiers: Orphanet 140162, MedGen C0027672, MeSH D009386, MONDO:0015356.
Neurofibromatosis, type 2 (SWNV). Also called: NF2-Related Schwannomatosis; SCHWANNOMATOSIS, VESTIBULAR; BILATERAL ACOUSTIC NEUROFIBROMATOSIS. Identifiers: Orphanet 637, MedGen C0027832, MONDO:0007039, OMIM 101000. Disease mechanism: loss of function.

Allele frequency attached by ClinVar (database versions not stated): gnomAD exomes below 0.00001.
gnomAD v4.1: 2 of 1,614,074 alleles (0.00012%); highest among the groups gnomAD compares: Non-Finnish European, 0.00017%; no homozygotes.

Submissions (3):

Ambry Genetics
Classification: Uncertain significance for Hereditary cancer-predisposing syndrome. Last evaluated: 2024-12-04. Review status: criteria provided, single submitter. Criteria: Ambry Variant Classification Scheme 2023. Collection method: clinical testing. Allele origin: germline.
Comment: The p.H574N variant (also known as c.1720C>A), located in coding exon 15 of the NF2 gene, results from a C to A substitution at nucleotide position 1720. The histidine at codon 574 is replaced by asparagine, an amino acid with similar properties. This amino acid position is well conserved in available vertebrate species. In addition, the in silico prediction for this alteration is inconclusive. Based on the available evidence, the clinical significance of this variant remains unclear.

GeneDx
Classification: Uncertain significance. Last evaluated: 2023-06-08. Review status: criteria provided, single submitter. Criteria: GeneDx Variant Classification Process June 2021. Collection method: clinical testing. Allele origin: germline. Affected: yes.
Comment: Not observed at significant frequency in large population cohorts (gnomAD); In silico analysis supports that this missense variant has a deleterious effect on protein structure/function; Has not been previously published as pathogenic or benign to our knowledge; This variant is associated with the following publications: (PMID: 11756419)

Labcorp Genetics (formerly Invitae), Labcorp
Classification: Uncertain significance for Neurofibromatosis, type 2. Last evaluated: 2023-05-19. Review status: criteria provided, single submitter. Criteria: Invitae Variant Classification Sherloc (09022015). Collection method: clinical testing. Allele origin: germline.
Comment: In summary, the available evidence is currently insufficient to determine the role of this variant in disease. Therefore, it has been classified as a Variant of Uncertain Significance. Advanced modeling of protein sequence and biophysical properties (such as structural, functional, and spatial information, amino acid conservation, physicochemical variation, residue mobility, and thermodynamic stability) performed at Invitae indicates that this missense variant is not expected to disrupt NF2 protein function. ClinVar contains an entry for this variant (Variation ID: 1778751). This variant has not been reported in the literature in individuals affected with NF2-related conditions. This variant is not present in population databases (gnomAD no frequency). This sequence change replaces histidine, which is basic and polar, with asparagine, which is neutral and polar, at codon 574 of the NF2 protein (p.His574Asn).

NM_000268.4(NF2):c.1720C>A (p.His574Asn)

Gene: NF2 (NF2, moesin-ezrin-radixin like (MERLIN) tumor suppressor; plus strand). Cytogenetic location: 22q12.2.
Variant type: single nucleotide variant.
Coding change: c.1720C>A on transcript NM_000268.4 (MANE Select); coding-DNA position 1720, C replaced by A.
Protein change: p.His574Asn; replaces histidine 574 with asparagine.
Molecular consequence: missense variant. On other transcripts: non-coding transcript variant (1), intron variant (1).
Genome position (GRCh38, 1-based): chr22:29,681,584, C>A. VCF-style: chr22-29681584-C-A. GRCh37 (hg19) VCF-style: chr22-30077573-C-A.
Other names: c.1606C>A, p.His536Asn (NM_001407053.1, NM_001407056.1); c.1597C>A, p.His533Asn (NM_001407054.1, NM_001407058.1, NM_181829.3); c.1594C>A, p.His532Asn (NM_001407055.1, NM_181828.3); c.1585C>A, p.His529Asn (NM_001407057.1, NM_001407059.1); c.1462C>A, p.His488Asn (NM_001407062.1); c.1471C>A, p.His491Asn (NM_001407063.1, NM_181830.3, NM_181831.3); c.1186C>A, p.His396Asn (NM_001407065.1); c.1720C>A, p.His574Asn (NM_001407066.1, NM_016418.5, NM_181825.3 and 1 more transcripts); and 2 more; short protein forms H533N, H574N, H536N, H488N, H396N, H491N, H497N, H529N.
Identifiers: ClinVar variation 1778751 (VCV001778751.14), dbSNP rs867707782, ClinGen allele CA323121029.